The following is an entry in ClinVar:

NM_000169.3(GLA):c.108G>C (p.Leu36Phe)

Genes: GLA (galactosidase alpha; minus strand), RPL36A-HNRNPH2 (RPL36A-HNRNPH2 readthrough; plus strand). Cytogenetic location: Xq22.1.
Variant type: single nucleotide variant.
Coding change: c.108G>C on transcript NM_000169.3 (MANE Select); coding-DNA position 108, G replaced by C.
Protein change: p.Leu36Phe; replaces leucine 36 with phenylalanine.
Molecular consequence: missense variant. On other transcripts: non-coding transcript variant (3), intron variant (2).
Genome position (GRCh38, 1-based): chrX:101,407,796, C>G on the plus strand (G>C on the coding strand, the complement: GLA is on the minus strand). VCF-style: chrX-101407796-C-G. GRCh37 (hg19) VCF-style: chrX-100662784-C-G.
Other names: c.108G>C, p.Leu36Phe (NM_001406747.1, NM_001406748.1, NM_001406749.1); c.301-4140C>G (NM_001199973.2); c.178-4140C>G (NM_001199974.2); short protein forms L36F.
Identifiers: ClinVar variation 4087510 (VCV004087510.2).

ClinVar aggregate classification (germline): Pathogenic (1 of 4 stars; one submission).

Conditions:
Fabry disease. Also called: ALPHA-GALACTOSIDASE A DEFICIENCY; ANDERSON-FABRY DISEASE; CERAMIDE TRIHEXOSIDASE DEFICIENCY; GLA DEFICIENCY; HEREDITARY DYSTOPIC LIPIDOSIS; Angiokeratoma corporis diffusum. Identifiers: Orphanet 324, MedGen C0002986, MONDO:0010526, OMIM 301500, HP:0001071. Disease mechanism: Fabry disease is due to inactivating mutations in the X-linked GLA gene resulting in deficiency of the enzyme Alpha Galactosidase-A., loss of function.

Submission:

Genomenon, Inc
Classification: Pathogenic for Fabry disease. Last evaluated: 2026-09-08. Review status: criteria provided, single submitter. Criteria: Genomenon Sequence Variant Interpretation Standards - Updated. Collection method: curation. Allele origin: germline. Affected: yes.
Comment: GLA p.Leu36Phe (c.108G>C) is a missense variant that changes the amino acid at codon 36 from Leucine to Phenylalanine. This variant has been observed in at least one proband with clinical features consistent with Fabry disease (PMID:28625968). At least one functional study has demonstrated a substantial alteration in protein function relative to the wild-type (PMID:27657681). It is absent or not present at a significant frequency in gnomAD. In silico models predict that this variant is possibly or probably damaging. Another cDNA change that causes the same protein consequence has been determined to be pathogenic or likely pathogenic. In conclusion, we classify GLA p.Leu36Phe (c.108G>C) as a pathogenic variant.

Literature cited by the submitters: PubMed 28625968; PubMed 27657681.